The following is an entry in ClinVar:

NM_012448.4(STAT5B):c.1403T>C (p.Val468Ala)

Gene: STAT5B (signal transducer and activator of transcription 5B; minus strand). Cytogenetic location: 17q21.2.
Variant type: single nucleotide variant.
Coding change: c.1403T>C on transcript NM_012448.4 (MANE Select); coding-DNA position 1403, T replaced by C.
Protein change: p.Val468Ala; replaces valine 468 with alanine.
Molecular consequence: missense variant.
Genome position (GRCh38, 1-based): chr17:42,216,084, A>G on the plus strand (T>C on the coding strand, the complement: STAT5B is on the minus strand). VCF-style: chr17-42216084-A-G. GRCh37 (hg19) VCF-style: chr17-40368102-A-G.
Other names: c.1403T>C (NM_012448.3); short protein forms V468A.
Identifiers: ClinVar variation 1055752 (VCV001055752.10), dbSNP rs201911697, ClinGen allele CA8574032.
Genomic context (GRCh38, chr17:42,216,084, plus strand): 5'-AAAGCATTGTCCCAGAGAACAGTGGCCGTCGCATTGTTGTCCTGGCTGCCATGAACGATC[A>G]CCACCACTGGCAGGGACAGGGTCTAAAAAGACACAAGAGAAGGCTGAGCGCCCACGAGCC-3'
Protein context (NP_036580.2, residues 458-478): QVKTLSLPVV[Val468Ala]IVHGSQDNNA

ClinVar aggregate classification (germline): Uncertain significance. Review status: criteria provided, multiple submitters, no conflicts (2 of 4 stars). 2 submissions from 2 submitters: Uncertain significance (2). Last evaluated 2024-06-05.

Conditions:
Inborn genetic diseases. Identifiers: MedGen C0950123, MeSH D030342.
Growth hormone insensitivity with immune dysregulation 1, autosomal recessive. Also called: GROWTH HORMONE INSENSITIVITY DUE TO POSTRECEPTOR DEFECT; LARON SYNDROME DUE TO POSTRECEPTOR DEFECT; GROWTH HORMONE INSENSITIVITY SYNDROME WITH IMMUNE DYSREGULATION 1, AUTOSOMAL RECESSIVE; Laron syndrome with immunodeficiency. Identifiers: Orphanet 220465, MedGen C5435698, MONDO:0100211, OMIM 245590.

Allele frequency attached by ClinVar (database versions not stated): gnomAD 0.00001; gnomAD exomes 0.00001 and 0.00003; TOPMed 0.00001; ExAC 0.00004; ESP Exome Variant Server 0.00008; 1000 Genomes Project 0.00020; 1000 Genomes Project 30x 0.00031.
gnomAD v4.1: 7 of 1,613,596 alleles (0.00043%); highest among the groups gnomAD compares: Admixed American, 0.01%; no homozygotes.

Submissions (2):

Labcorp Genetics (formerly Invitae), Labcorp
Classification: Uncertain significance for Growth hormone insensitivity with immune dysregulation 1, autosomal recessive. Last evaluated: 2024-06-05. Review status: criteria provided, single submitter. Criteria: Invitae Variant Classification Sherloc (09022015). Collection method: clinical testing. Allele origin: germline.
Comment: This sequence change replaces valine, which is neutral and non-polar, with alanine, which is neutral and non-polar, at codon 468 of the STAT5B protein (p.Val468Ala). This variant is present in population databases (rs201911697, gnomAD 0.02%). This variant has not been reported in the literature in individuals affected with STAT5B-related conditions. ClinVar contains an entry for this variant (Variation ID: 1055752). Advanced modeling of protein sequence and biophysical properties (such as structural, functional, and spatial information, amino acid conservation, physicochemical variation, residue mobility, and thermodynamic stability) performed at Invitae indicates that this missense variant is expected to disrupt STAT5B protein function with a positive predictive value of 80%. In summary, the available evidence is currently insufficient to determine the role of this variant in disease. Therefore, it has been classified as a Variant of Uncertain Significance.

Ambry Genetics
Classification: Uncertain significance for Inborn genetic diseases. Last evaluated: 2022-07-26. Review status: criteria provided, single submitter. Criteria: Ambry Variant Classification Scheme 2023. Collection method: clinical testing. Allele origin: germline.